The following is an entry in ClinVar:

NM_000038.6(APC):c.2629G>A (p.Gly877Ser)

Gene: APC (APC regulator of Wnt signaling pathway; plus strand). Cytogenetic location: 5q22.2.
Variant type: single nucleotide variant.
Coding change: c.2629G>A on transcript NM_000038.6 (MANE Select); coding-DNA position 2629, G replaced by A.
Protein change: p.Gly877Ser; replaces glycine 877 with serine.
Molecular consequence: missense variant.
Genome position (GRCh38, 1-based): chr5:112,838,223, G>A. VCF-style: chr5-112838223-G-A. GRCh37 (hg19) VCF-style: chr5-112173920-G-A.
Other names: c.2629G>A (NM_000038.5); c.2629G>A, p.Gly877Ser (NM_001127510.3, NM_001354895.2); c.2575G>A, p.Gly859Ser (NM_001127511.3); c.2683G>A, p.Gly895Ser (NM_001354896.2); c.2659G>A, p.Gly887Ser (NM_001354897.2); c.2554G>A, p.Gly852Ser (NM_001354898.2); c.2545G>A, p.Gly849Ser (NM_001354899.2); c.2506G>A, p.Gly836Ser (NM_001354900.2); and 6 more; short protein forms G877S, G594S, G751S, G849S, G859S, G895S, G717S, G818S.
Identifiers: ClinVar variation 1041868 (VCV001041868.10), dbSNP rs1765229496, ClinGen allele CA16027080.
Genomic context (GRCh38, chr5:112,838,223, plus strand): 5'-GGAATTGGTCTAGGCAACTACCATCCAGCAACAGAAAATCCAGGAACTTCTTCAAAGCGA[G>A]GTTTGCAGATCTCCACCACTGCAGCCCAGATTGCCAAAGTCATGGAAGAAGTGTCAGCCA-3'
Protein context (NP_000029.2, residues 867-887): TENPGTSSKR[Gly877Ser]LQISTTAAQI

ClinVar aggregate classification (germline): Uncertain significance. Review status: criteria provided, multiple submitters, no conflicts (2 of 4 stars). 3 submissions from 3 submitters: Uncertain significance (3). Last evaluated 2025-06-19.

Conditions:
Hereditary cancer-predisposing syndrome. Also called: Hereditary Cancer Syndrome; Tumor predisposition; Hereditary neoplastic syndrome; Neoplastic Syndromes, Hereditary. Identifiers: Orphanet 140162, MedGen C0027672, MeSH D009386, MONDO:0015356.
Classic or attenuated familial adenomatous polyposis. Identifiers: MedGen CN372698, MONDO:0021057.
Familial adenomatous polyposis 1 (FAP1). Also called: FAMILIAL ADENOMATOUS POLYPOSIS 1, ATTENUATED; POLYPOSIS, ADENOMATOUS INTESTINAL. Identifiers: MedGen C2713442, MONDO:0021056, OMIM 175100. Disease mechanism: loss of function.

Submissions (3):

Ambry Genetics
Classification: Uncertain significance for Hereditary cancer-predisposing syndrome. Last evaluated: 2025-06-19. Review status: criteria provided, single submitter. Criteria: Ambry Variant Classification Scheme 2023. Collection method: clinical testing. Allele origin: germline.
Comment: The p.G877S variant (also known as c.2629G>A), located in coding exon 15 of the APC gene, results from a G to A substitution at nucleotide position 2629. The glycine at codon 877 is replaced by serine, an amino acid with similar properties. Missense alterations in APC are not a common cause of disease (Spier I et al. Genet Med. 2024 Feb;26(2):100992). This amino acid position is well conserved in available vertebrate species. Based on the available evidence, the clinical significance of this variant remains unclear.

All of Us Research Program, National Institutes of Health
Classification: Uncertain significance for Classic or attenuated familial adenomatous polyposis. Last evaluated: 2024-04-25. Review status: criteria provided, single submitter. Criteria: ACMG Guidelines, 2015. Collection method: clinical testing. Allele origin: germline. Inheritance: Autosomal dominant inheritance. Observed: 2 variant alleles, 2 heterozygotes.
Comment: This missense variant replaces glycine with serine at codon 877 of the APC protein. Computational prediction suggests that this variant may not impact protein structure and function (internally defined REVEL score threshold <= 0.5, PMID: 27666373). To our knowledge, functional studies have not been reported for this variant. This variant has not been reported in individuals affected with APC-related disorders in the literature. This variant has not been identified in the general population by the Genome Aggregation Database (gnomAD). The available evidence is insufficient to determine the role of this variant in disease conclusively. Therefore, this variant is classified as a Variant of Uncertain Significance.

This study involves interpretation of variants in research participants for the purpose of population health screening. Participant phenotype was not available at the time of variant classification. Additional details can be found in publication PMID: 35346344, PMCID: PMC8962531

Labcorp Genetics (formerly Invitae), Labcorp
Classification: Uncertain significance for Familial adenomatous polyposis 1. Last evaluated: 2024-03-29. Review status: criteria provided, single submitter. Criteria: Invitae Variant Classification Sherloc (09022015). Collection method: clinical testing. Allele origin: germline.
Comment: This sequence change replaces glycine, which is neutral and non-polar, with serine, which is neutral and polar, at codon 877 of the APC protein (p.Gly877Ser). This variant is not present in population databases (gnomAD no frequency). This variant has not been reported in the literature in individuals affected with APC-related conditions. ClinVar contains an entry for this variant (Variation ID: 1041868). Advanced modeling of protein sequence and biophysical properties (such as structural, functional, and spatial information, amino acid conservation, physicochemical variation, residue mobility, and thermodynamic stability) performed at Invitae indicates that this missense variant is not expected to disrupt APC protein function with a negative predictive value of 95%. In summary, the available evidence is currently insufficient to determine the role of this variant in disease. Therefore, it has been classified as a Variant of Uncertain Significance.